The following is an entry in ClinVar:

ClinVar aggregate classification (germline): Uncertain significance (1 of 4 stars; one submission).

Submission:

Labcorp Genetics (formerly Invitae), Labcorp
Classification: Uncertain significance. Last evaluated: 2023-06-30. Review status: criteria provided, single submitter. Criteria: Invitae Variant Classification Sherloc (09022015). Collection method: clinical testing. Allele origin: germline.
Comment: In summary, the available evidence is currently insufficient to determine the role of this variant in disease. Therefore, it has been classified as a Variant of Uncertain Significance. Advanced modeling of protein sequence and biophysical properties (such as structural, functional, and spatial information, amino acid conservation, physicochemical variation, residue mobility, and thermodynamic stability) performed at Invitae indicates that this missense variant is not expected to disrupt ADAM9 protein function. ClinVar contains an entry for this variant (Variation ID: 1467274). This variant has not been reported in the literature in individuals affected with ADAM9-related conditions. This variant is not present in population databases (gnomAD no frequency). This sequence change replaces valine, which is neutral and non-polar, with isoleucine, which is neutral and non-polar, at codon 207 of the ADAM9 protein (p.Val207Ile).

NM_003816.3(ADAM9):c.619G>A (p.Val207Ile)

Gene: ADAM9 (ADAM metallopeptidase domain 9; plus strand). Cytogenetic location: 8p11.22.
Variant type: single nucleotide variant.
Coding change: c.619G>A on transcript NM_003816.3 (MANE Select); coding-DNA position 619, G replaced by A.
Protein change: p.Val207Ile; replaces valine 207 with isoleucine.
Molecular consequence: missense variant. On other transcripts: non-coding transcript variant (3).
Genome position (GRCh38, 1-based): chr8:39,018,865, G>A. VCF-style: chr8-39018865-G-A. GRCh37 (hg19) VCF-style: chr8-38876384-G-A.
Other names: short protein forms V207I.
Identifiers: ClinVar variation 1467274 (VCV001467274.6), dbSNP rs2129433363, ClinGen allele CA370753683.
Genomic context (GRCh38, chr8:39,018,865, plus strand): 5'-TAGCCTTATAACTTCCTTTTGCCTTTATGATGTTTGTGTTTTTGACAGAGAAGAAGAGCT[G>A]TCTTGCCACAGACCCGGTATGTGGAGCTGTTCATTGTCGTAGACAAGGAAAGGGTAAGAT-3'
Protein context (NP_003807.1, residues 197-217): MTQLLRRRRA[Val207Ile]LPQTRYVELF